The following is an entry in ClinVar:

NM_007363.5(NONO):c.1408C>T (p.Arg470Ter)

Gene: NONO (non-POU domain containing octamer binding; plus strand). Cytogenetic location: Xq13.1.
Variant type: single nucleotide variant.
Coding change: c.1408C>T on transcript NM_007363.5 (MANE Select); coding-DNA position 1408, C replaced by T.
Protein change: p.Arg470Ter; replaces arginine 470 with a stop codon.
Molecular consequence: nonsense.
Genome position (GRCh38, 1-based): chrX:71,300,068, C>T. VCF-style: chrX-71300068-C-T. GRCh37 (hg19) VCF-style: chrX-70519918-C-T.
Other names: c.1408C>T, p.Arg470Ter (NM_001145408.2, NM_001145409.2); c.1141C>T, p.Arg381Ter (NM_001145410.2); short protein forms R381*, R470*.
Identifiers: ClinVar variation 1804718 (VCV001804718.3), dbSNP rs2519898647, ClinGen allele CA413550729.
Genomic context (GRCh38, chrX:71,300,068, plus strand): 5'-ACTCCTCCTGCATTCAACCGTGCAGCTCCTGGAGCTGAATTTGCCCCAAACAAACGTCGC[C>T]GATACTAATAAGTTGCAGTGTCTAGTTTCTCAAAACCCTTAAAAGAAGGACCCTTTTTGG-3'

ClinVar aggregate classification (germline): Uncertain significance. Review status: criteria provided, multiple submitters, no conflicts (2 of 4 stars). 2 submissions from 2 submitters: Uncertain significance (2). Last evaluated 2022-11-27.

Conditions:
Intellectual developmental disorder, X-linked, syndromic 34. Also called: Syndromic X-linked intellectual disability 34; MENTAL RETARDATION, X-LINKED, SYNDROMIC, MIRCSOF-LANGOUET TYPE. Identifiers: Orphanet 466791, MedGen C4225417, MONDO:0010501, OMIM 300967.

Submissions (2):

Women's Health and Genetics/Laboratory Corporation of America, LabCorp
Classification: Uncertain significance. Last evaluated: 2022-11-27. Review status: criteria provided, single submitter. Criteria: LabCorp Variant Classification Summary - May 2015. Collection method: clinical testing. Allele origin: germline.
Comment: Variant summary: NONO c.1408C>T (p.Arg470X) results in a premature termination codon, predicted to cause a truncation of the encoded protein or absence of the protein due to nonsense mediated decay, which are commonly known mechanisms for disease. The variant was absent in 183163 control chromosomes. To our knowledge, no occurrence of c.1408C>T in individuals affected with Mental Retardation, X-Linked, Syndromic 34 and no experimental evidence demonstrating its impact on protein function have been reported. No clinical diagnostic laboratories have submitted clinical-significance assessments for this variant to ClinVar after 2014. Based on the evidence outlined above, the variant was classified as VUS-possibly pathogenic.

Juno Genomics, Hangzhou Juno Genomics, Inc
Classification: Uncertain significance for Intellectual developmental disorder, X-linked, syndromic 34. Review status: criteria provided, single submitter. Criteria: ACMG Guidelines, 2015. Collection method: clinical testing. Allele origin: germline.
Comment: Null variant in a gene where loss of function (LOF) is a known mechanism of disease.;Absent from controls (or at extremely low frequency if recessive) in Genome Aggregation Database.